The following is an entry in ClinVar:

NM_000264.5(PTCH1):c.-24GGC[4]

Genes: PTCH1 (patched 1; minus strand), LOC130002133 (ATAC-STARR-seq lymphoblastoid silent region 20071; plus strand). Cytogenetic location: 9q22.32.
Variant type: Microsatellite.
Coding change: c.-24GGC[4] on transcript NM_000264.5 (MANE Select); four copies in a row of the 3-base unit GGC starting at c.-24; the reference has seven copies in a row; three copies, 9 bases deleted.
Molecular consequence: 5 prime UTR variant. On other transcripts: non-coding transcript variant (1), intron variant (3).
Genome position (GRCh38, 1-based): chr9:95,508,365-95,508,373, GCCGCCGCC deleted on the plus strand (GGCGGCGGC on the coding strand, the reverse complement: PTCH1 is on the minus strand); deleting any 9 consecutive bases within chr9:95,508,365-95,508,387 gives the same sequence; the position shown is the placement nearest the transcript's 3' end. VCF-style (leftmost placement, unchanged base first): chr9-95508364-TGCCGCCGCC-T. GRCh37 (hg19) VCF-style: chr9-98270646-TGCCGCCGCC-T.
Other names: c.-24GGC[4] (NM_001354918.2); c.199-1786GGC[4] (NM_001083603.3); c.4-1786GGC[4] (NM_001083602.3, NM_001354919.2).
Identifiers: ClinVar variation 215454 (VCV000215454.15), dbSNP rs71366293, ClinGen allele CA339527.
Genomic context (GRCh38, chr9:95,508,364, plus strand): 5'-AGCCGCTGCCGCCGCCGCCGCGGTCCTGGGGCTCGGCGGCGTTACCAGCCGAGGCCATGT[TGCCGCCGCC>T]GCCGCCGCCGCCGCGGGGACGGAGGCTTCCCGGGCGGCCCGGCGCGCTGCTGCCGCTGCT-3'

ClinVar aggregate classification (germline): Benign/Likely benign. Review status: criteria provided, multiple submitters, no conflicts (2 of 4 stars). 7 submissions from 7 submitters: Benign (3); Likely benign (4). Last evaluated 2026-02-01.

Conditions:
Hereditary cancer-predisposing syndrome. Also called: Tumor predisposition; Neoplastic Syndromes, Hereditary; Hereditary Cancer Syndrome; Hereditary neoplastic syndrome. Identifiers: Orphanet 140162, MedGen C0027672, MeSH D009386, MONDO:0015356.
Gorlin syndrome. Also called: Basal cell nevus syndrome; Nevoid Basal Cell Carcinoma Syndrome. Identifiers: Orphanet 377, MedGen C0004779, MONDO:0007187.

Submissions (7):

CeGaT Center for Human Genetics Tuebingen
Classification: Benign. Last evaluated: 2026-02-01. Review status: criteria provided, single submitter. Criteria: CeGaT Center For Human Genetics Tuebingen Variant Classification Criteria Version 2. Collection method: clinical testing. Allele origin: germline. Affected: yes. Observed: 1 variant allele.
Comment: PTCH1: BP4, BS1, BS2

Quest Diagnostics Nichols Institute San Juan Capistrano
Classification: Benign. Last evaluated: 2024-12-16. Review status: criteria provided, single submitter. Criteria: Quest Diagnostics criteria. Collection method: clinical testing. Allele origin: unknown.

Blueprint Genetics
Classification: Likely benign. Last evaluated: 2024-11-21. Review status: criteria provided, single submitter. Criteria: ACMG Guidelines, 2015. Collection method: clinical testing. Allele origin: germline.

Ambry Genetics
Classification: Likely benign for Hereditary cancer-predisposing syndrome. Last evaluated: 2022-04-06. Review status: criteria provided, single submitter. Criteria: Ambry Variant Classification Scheme 2023. Collection method: clinical testing. Allele origin: germline.

GeneDx
Classification: Likely benign. Last evaluated: 2020-03-09. Review status: criteria provided, single submitter. Criteria: GeneDx Variant Classification Process June 2021. Collection method: clinical testing. Allele origin: germline. Affected: yes.

Labcorp Genetics (formerly Invitae), Labcorp
Classification: Benign for Gorlin syndrome. Last evaluated: 2015-08-26. Review status: criteria provided, single submitter. Criteria: Invitae Variant Classification Sherloc (09022015). Collection method: clinical testing. Allele origin: germline.

PreventionGenetics, part of Exact Sciences
Classification: Likely benign. Review status: criteria provided, single submitter. Criteria: ACMG Guidelines, 2015. Collection method: clinical testing. Allele origin: germline.